The following is an entry in ClinVar:

NM_001253697.2(ERBIN):c.2695G>A (p.Val899Ile)

Gene: ERBIN (erbb2 interacting protein; plus strand). Cytogenetic location: 5q12.3.
Variant type: single nucleotide variant.
Coding change: c.2695G>A on transcript NM_001253697.2 (MANE Select); coding-DNA position 2695, G replaced by A.
Protein change: p.Val899Ile; replaces valine 899 with isoleucine.
Molecular consequence: missense variant.
Genome position (GRCh38, 1-based): chr5:66,054,013, G>A. VCF-style: chr5-66054013-G-A. GRCh37 (hg19) VCF-style: chr5-65349841-G-A.
Other names: c.2695G>A (NM_018695.2); c.2695G>A, p.Val899Ile (NM_001006600.3, NM_001253698.2, NM_001253699.2 and 1 more transcripts); c.2683G>A, p.Val895Ile (NM_001253701.2); short protein forms V899I, V895I.
Identifiers: ClinVar variation 1406736 (VCV001406736.7), dbSNP rs142415371, ClinGen allele CA3286529.

ClinVar aggregate classification (germline): Uncertain significance. Review status: criteria provided, multiple submitters, no conflicts (2 of 4 stars). 2 submissions from 2 submitters: Uncertain significance (2). Last evaluated 2026-01-06.

Allele frequency attached by ClinVar (database versions not stated): ExAC 0.00002; gnomAD exomes 0.00003 and 0.00009; ESP Exome Variant Server 0.00015.
gnomAD v4.1: 141 of 1,613,984 alleles (0.0087%); highest among the groups gnomAD compares: Middle Eastern, 0.16%; no homozygotes.

Submissions (2):

Labcorp Genetics (formerly Invitae), Labcorp
Classification: Uncertain significance. Last evaluated: 2026-01-06. Review status: criteria provided, single submitter. Criteria: Invitae Variant Classification Sherloc (09022015). Collection method: clinical testing. Allele origin: germline.
Comment: This sequence change replaces valine, which is neutral and non-polar, with isoleucine, which is neutral and non-polar, at codon 899 of the ERBIN protein (p.Val899Ile). This variant is present in population databases (rs142415371, gnomAD 0.008%). This variant has not been reported in the literature in individuals affected with ERBIN-related conditions. ClinVar contains an entry for this variant (Variation ID: 1406736). An algorithm developed to predict the effect of missense changes on protein structure and function outputs the following: PolyPhen-2: "Benign". The isoleucine amino acid residue is found in multiple mammalian species, which suggests that this missense change does not adversely affect protein function. In summary, the available evidence is currently insufficient to determine the role of this variant in disease. Therefore, it has been classified as a Variant of Uncertain Significance.

Ambry Genetics
Classification: Uncertain significance. Last evaluated: 2021-07-21. Review status: criteria provided, single submitter. Criteria: Ambry Variant Classification Scheme 2023. Collection method: clinical testing. Allele origin: germline.